The following is an entry in ClinVar:

ClinVar aggregate classification (germline): Benign. Review status: criteria provided, multiple submitters, no conflicts (2 of 4 stars). 6 submissions from 6 submitters: Benign (4). 2 of the submissions do not count toward it. Last evaluated 2026-01-26.

Conditions:
SYNE2-related disorder. Also called: SYNE2-related condition.
Emery-Dreifuss muscular dystrophy 5, autosomal dominant (EDMD5). Also called: EMERY-DREIFUSS MUSCULAR DYSTROPHY 5. Identifiers: Orphanet 261, MedGen C2751805, MONDO:0013072, OMIM 612999.

Allele frequency attached by ClinVar (database versions not stated): gnomAD exomes 0.00152; ExAC 0.00190; gnomAD 0.00583 and 0.00626; 1000 Genomes Project 0.00679; TOPMed 0.00689; 1000 Genomes Project 30x 0.00703; ESP Exome Variant Server 0.00762.
gnomAD v4.1: 1,789 of 1,613,602 alleles (0.11%); highest among the groups gnomAD compares: African/African-American, 2.2%; 21 homozygotes.

Submissions (6):

Labcorp Genetics (formerly Invitae), Labcorp
Classification: Benign for Emery-Dreifuss muscular dystrophy 5, autosomal dominant. Last evaluated: 2026-01-26. Review status: criteria provided, single submitter. Criteria: Invitae Variant Classification Sherloc (09022015). Collection method: clinical testing. Allele origin: germline.

Athena Diagnostics
Classification: Benign. Last evaluated: 2023-10-17. Review status: criteria provided, single submitter. Criteria: Athena Diagnostics Criteria. Collection method: clinical testing. Allele origin: unknown.

Illumina Laboratory Services, Illumina
Classification: Benign for Emery-Dreifuss muscular dystrophy 5, autosomal dominant. Last evaluated: 2018-01-13. Review status: criteria provided, single submitter. Criteria: ICSL Variant Classification Criteria 13 December 2019. Collection method: clinical testing. Allele origin: germline.
Comment: This variant was observed in the ICSL laboratory as part of a predisposition screen in an ostensibly healthy population. It had not been previously curated by ICSL or reported in the Human Gene Mutation Database (HGMD: prior to June 1st, 2018), and was therefore a candidate for classification through an automated scoring system. Utilizing variant allele frequency, disease prevalence and penetrance estimates, and inheritance mode, an automated score was calculated to assess if this variant is too frequent to cause the disease. Based on the score and internal cut-off values, a variant classified as benign is not then subjected to further curation. The score for this variant resulted in a classification of benign for this disease.

Breakthrough Genomics
Classification: Benign. Review status: criteria provided, single submitter. Criteria: ACMG Guidelines, 2015. Collection method: not provided. Allele origin: germline. Inheritance: Autosomal dominant inheritance. Affected: yes.

PreventionGenetics, part of Exact Sciences
Classification: Benign for SYNE2-related condition. Last evaluated: 2019-05-02. Review status: no assertion criteria provided. Collection method: clinical testing. Allele origin: germline. Not counted in ClinVar's aggregate classification.
Comment: This variant is classified as benign based on ACMG/AMP sequence variant interpretation guidelines (Richards et al. 2015 PMID: 25741868, with internal and published modifications).

Genetic Services Laboratory, University of Chicago
Classification: Likely benign for AllHighlyPenetrant. Review status: no assertion criteria provided. Collection method: clinical testing. Allele origin: germline. Inheritance: Autosomal dominant inheritance. Not counted in ClinVar's aggregate classification.
Comment: Likely benign based on allele frequency in 1000 Genomes Project or ESP global frequency and its presence in a patient with a rare or unrelated disease phenotype. NOT Sanger confirmed.

NM_182914.3(SYNE2):c.5517A>T (p.Leu1839Phe)

Gene: SYNE2 (spectrin repeat containing nuclear envelope protein 2; plus strand). Cytogenetic location: 14q23.2.
Variant type: single nucleotide variant.
Coding change: c.5517A>T on transcript NM_182914.3 (MANE Select); coding-DNA position 5517, A replaced by T.
Protein change: p.Leu1839Phe; replaces leucine 1839 with phenylalanine.
Molecular consequence: missense variant.
Genome position (GRCh38, 1-based): chr14:64,022,021, A>T. VCF-style: chr14-64022021-A-T. GRCh37 (hg19) VCF-style: chr14-64488739-A-T.
Other names: c.5517A>T, p.Leu1839Phe (NM_015180.6); short protein forms L1839F.
Identifiers: ClinVar variation 130500 (VCV000130500.23), dbSNP rs35883188, ClinGen allele CA155584.